The following is an entry in ClinVar:

NM_030662.4(MAP2K2):c.920-17T>A

Gene: MAP2K2 (mitogen-activated protein kinase kinase 2; minus strand). Cytogenetic location: 19p13.3.
Variant type: single nucleotide variant.
Coding change: c.920-17T>A on transcript NM_030662.4 (MANE Select); 17 bases into the intron before coding-DNA position 920, T replaced by A.
Molecular consequence: intron variant.
Genome position (GRCh38, 1-based): chr19:4,097,360, A>T on the plus strand (T>A on the coding strand, the complement: MAP2K2 is on the minus strand). VCF-style: chr19-4097360-A-T. GRCh37 (hg19) VCF-style: chr19-4097358-A-T.
Identifiers: ClinVar variation 391577 (VCV000391577.4), dbSNP rs1057524145, ClinGen allele CA16608241.

ClinVar aggregate classification (germline): Likely benign. Review status: criteria provided, multiple submitters, no conflicts (2 of 4 stars). 2 submissions from 2 submitters: Likely benign (2). Last evaluated 2023-11-07.

Conditions:
RASopathy. Also called: Noonan spectrum disorder; rasopathies. Identifiers: Orphanet 536391, MedGen C5555857, MONDO:0021060.

Submissions (2):

Labcorp Genetics (formerly Invitae), Labcorp
Classification: Likely benign for RASopathy. Last evaluated: 2023-11-07. Review status: criteria provided, single submitter. Criteria: Invitae Variant Classification Sherloc (09022015). Collection method: clinical testing. Allele origin: germline.

GeneDx
Classification: Likely benign. Last evaluated: 2016-12-02. Review status: criteria provided, single submitter. Criteria: GeneDx Variant Classification (06012015). Collection method: clinical testing. Allele origin: germline. Affected: yes.
Comment: This variant is considered likely benign or benign based on one or more of the following criteria: it is a conservative change, it occurs at a poorly conserved position in the protein, it is predicted to be benign by multiple in silico algorithms, and/or has population frequency not consistent with disease.